The following is an entry in ClinVar:

NM_001378454.1(ALMS1):c.11710G>T (p.Asp3904Tyr)

Gene: ALMS1 (ALMS1 centrosome and basal body associated protein; plus strand). Cytogenetic location: 2p13.1.
Variant type: single nucleotide variant.
Coding change: c.11710G>T on transcript NM_001378454.1 (MANE Select); coding-DNA position 11710, G replaced by T.
Protein change: p.Asp3904Tyr; replaces aspartic acid 3904 with tyrosine.
Molecular consequence: missense variant.
Genome position (GRCh38, 1-based): chr2:73,600,719, G>T. VCF-style: chr2-73600719-G-T. GRCh37 (hg19) VCF-style: chr2-73827846-G-T.
Other names: c.11713G>T, p.Asp3905Tyr (NM_015120.4); short protein forms D3904Y, D3905Y.
Identifiers: ClinVar variation 1716237 (VCV001716237.6), dbSNP rs1224213423, ClinGen allele CA347264254.

ClinVar aggregate classification (germline): Uncertain significance. Review status: criteria provided, multiple submitters, no conflicts (2 of 4 stars). 2 submissions from 2 submitters: Uncertain significance (2). Last evaluated 2024-11-05.

Conditions:
Alstrom syndrome (ALMS). Identifiers: Orphanet 64, MedGen C0268425, MONDO:0008763, OMIM 203800.

Allele frequency attached by ClinVar (database versions not stated): gnomAD exomes below 0.00001; TOPMed below 0.00001.
gnomAD v4.1: 1 of 1,614,166 alleles (0.000062%); highest among the groups gnomAD compares: Admixed American, 0.0017%; no homozygotes.

Submissions (2):

Labcorp Genetics (formerly Invitae), Labcorp
Classification: Uncertain significance for Alstrom syndrome. Last evaluated: 2024-11-05. Review status: criteria provided, single submitter. Criteria: Invitae Variant Classification Sherloc (09022015). Collection method: clinical testing. Allele origin: germline.
Comment: This sequence change replaces aspartic acid, which is acidic and polar, with tyrosine, which is neutral and polar, at codon 3905 of the ALMS1 protein (p.Asp3905Tyr). This variant is present in population databases (no rsID available, gnomAD 0.003%). This variant has not been reported in the literature in individuals affected with ALMS1-related conditions. ClinVar contains an entry for this variant (Variation ID: 1716237). Experimental studies and prediction algorithms are not available or were not evaluated, and the functional significance of this variant is currently unknown. In summary, the available evidence is currently insufficient to determine the role of this variant in disease. Therefore, it has been classified as a Variant of Uncertain Significance.

Blueprint Genetics
Classification: Uncertain significance. Last evaluated: 2022-09-07. Review status: criteria provided, single submitter. Criteria: ACMG Guidelines, 2015. Collection method: clinical testing. Allele origin: germline.